The following is an entry in ClinVar:

ClinVar aggregate classification (germline): Uncertain significance (1 of 4 stars; one submission).

gnomAD v4.1: 4 of 1,608,720 alleles (0.00025%); highest among the groups gnomAD compares: East Asian, 0.0045%; no homozygotes.

Submission:

GeneDx
Classification: Uncertain significance. Last evaluated: 2025-07-11. Review status: criteria provided, single submitter. Criteria: GeneDx Variant Classification Process June 2021. Collection method: clinical testing. Allele origin: germline. Affected: yes.
Comment: Not observed at significant frequency in large population cohorts (gnomAD); Missense variant in a gene in which most reported pathogenic variants are truncating/loss of function; Has not been previously published as pathogenic or benign to our knowledge

NM_001267550.2(TTN):c.34151T>C (p.Val11384Ala)

Gene: TTN (titin; minus strand). Cytogenetic location: 2q31.2.
Variant type: single nucleotide variant.
Coding change: c.34151T>C on transcript NM_001267550.2 (MANE Select); coding-DNA position 34151, T replaced by C.
Protein change: p.Val11384Ala; replaces valine 11384 with alanine.
Molecular consequence: missense variant. On other transcripts: intron variant (3).
Genome position (GRCh38, 1-based): chr2:178,677,761, A>G on the plus strand (T>C on the coding strand, the complement: TTN is on the minus strand). VCF-style: chr2-178677761-A-G. GRCh37 (hg19) VCF-style: chr2-179542488-A-G.
Other names: c.33200T>C, p.Val11067Ala (NM_001256850.1); c.30419T>C, p.Val10140Ala (NM_133378.4); c.13283-35444T>C (NM_003319.4); c.13859-35444T>C (NM_133437.4); c.13658-35444T>C (NM_133432.3); short protein forms V10140A, V11067A, V11384A.
Identifiers: ClinVar variation 4685297 (VCV004685297.1).